The following is an entry in ClinVar:

ClinVar aggregate classification (germline): Uncertain significance. Review status: criteria provided, multiple submitters, no conflicts (2 of 4 stars). 3 submissions from 3 submitters: Uncertain significance (3). Last evaluated 2025-08-25.

Conditions:
Neuropathy, hereditary sensory and autonomic, type 2A (HSAN2A). Also called: HSAN IIA; WNK1-Related HSAN2 (HSAN2A); ACROOSTEOLYSIS, GIACCAI TYPE; ACROOSTEOLYSIS, NEUROGENIC; MORVAN DISEASE; NEUROPATHY, CONGENITAL SENSORY. Identifiers: Orphanet 970, MedGen C2752089, MONDO:0024309, OMIM 201300.
Pseudohypoaldosteronism type 2C (PHA2C). Also called: Pseudohypoaldosteronism Type IIC. Identifiers: Orphanet 757, Orphanet 88940, MedGen C1840391, MONDO:0013778, OMIM 614492.

Allele frequency attached by ClinVar (database versions not stated): ExAC 0.00001; gnomAD 0.00001; gnomAD exomes 0.00001 and 0.00002; TOPMed 0.00002; ESP Exome Variant Server 0.00008.
gnomAD v4.1: 35 of 1,614,050 alleles (0.0022%); highest among the groups gnomAD compares: Non-Finnish European, 0.0028%; no homozygotes.

Submissions (3):

Labcorp Genetics (formerly Invitae), Labcorp
Classification: Uncertain significance for Neuropathy, hereditary sensory and autonomic, type 2A; Pseudohypoaldosteronism type 2C. Last evaluated: 2025-08-25. Review status: criteria provided, single submitter. Criteria: Invitae Variant Classification Sherloc (09022015). Collection method: clinical testing. Allele origin: germline.
Comment: This sequence change replaces histidine, which is basic and polar, with proline, which is neutral and non-polar, at codon 1324 of the WNK1 protein (p.His1324Pro). This variant is present in population databases (rs376433723, gnomAD 0.003%). This variant has not been reported in the literature in individuals affected with WNK1-related conditions. ClinVar contains an entry for this variant (Variation ID: 1314691). Invitae Evidence Modeling of protein sequence and biophysical properties (such as structural, functional, and spatial information, amino acid conservation, physicochemical variation, residue mobility, and thermodynamic stability) indicates that this missense variant is not expected to disrupt WNK1 protein function with a negative predictive value of 95%. In summary, the available evidence is currently insufficient to determine the role of this variant in disease. Therefore, it has been classified as a Variant of Uncertain Significance.

Fulgent Genetics
Classification: Uncertain significance for Neuropathy, hereditary sensory and autonomic, type 2A; Pseudohypoaldosteronism type 2C. Last evaluated: 2022-05-11. Review status: criteria provided, single submitter. Criteria: ACMG Guidelines, 2015. Collection method: clinical testing. Allele origin: unknown.

GeneDx
Classification: Uncertain significance. Last evaluated: 2021-04-26. Review status: criteria provided, single submitter. Criteria: GeneDx Variant Classification Process June 2021. Collection method: clinical testing. Allele origin: germline. Affected: yes.
Comment: Not observed at a significant frequency in large population cohorts (Lek et al., 2016); In silico analysis supports that this missense variant has a deleterious effect on protein structure/function; Has not been previously published as pathogenic or benign to our knowledge

NM_018979.4(WNK1):c.3215A>C (p.His1072Pro)

Gene: WNK1 (WNK lysine deficient protein kinase 1; plus strand). Cytogenetic location: 12p13.33.
Variant type: single nucleotide variant.
Coding change: c.3215A>C on transcript NM_018979.4 (MANE Select); coding-DNA position 3215, A replaced by C.
Protein change: p.His1072Pro; replaces histidine 1072 with proline.
Molecular consequence: missense variant.
Genome position (GRCh38, 1-based): chr12:881,916, A>C. VCF-style: chr12-881916-A-C. GRCh37 (hg19) VCF-style: chr12-991082-A-C.
Other names: c.3995A>C, p.His1332Pro (NM_001184985.2); c.2474A>C, p.His825Pro (NM_014823.3); c.3971A>C, p.His1324Pro (NM_213655.5); short protein forms H1072P, H1324P, H1332P, H825P.
Identifiers: ClinVar variation 1314691 (VCV001314691.5), dbSNP rs376433723, ClinGen allele CA6382717.